The following is an entry in ClinVar:

ClinVar aggregate classification (germline): Uncertain significance. Review status: criteria provided, multiple submitters, no conflicts (2 of 4 stars). 2 submissions from 2 submitters: Uncertain significance (2). Last evaluated 2025-09-22.

Conditions:
Inborn genetic diseases. Identifiers: MedGen C0950123, MeSH D030342.

Allele frequency attached by ClinVar (database versions not stated): gnomAD exomes below 0.00001.
gnomAD v4.1: 2 of 1,614,132 alleles (0.00012%); highest among the groups gnomAD compares: Non-Finnish European, 0.00017%; no homozygotes.

Submissions (2):

Ambry Genetics
Classification: Uncertain significance for Inborn genetic diseases. Last evaluated: 2025-09-22. Review status: criteria provided, single submitter. Criteria: Ambry Variant Classification Scheme 2023. Collection method: clinical testing. Allele origin: germline.

Labcorp Genetics (formerly Invitae), Labcorp
Classification: Uncertain significance. Last evaluated: 2022-12-30. Review status: criteria provided, single submitter. Criteria: Invitae Variant Classification Sherloc (09022015). Collection method: clinical testing. Allele origin: germline.
Comment: In summary, the available evidence is currently insufficient to determine the role of this variant in disease. Therefore, it has been classified as a Variant of Uncertain Significance. Advanced modeling of protein sequence and biophysical properties (such as structural, functional, and spatial information, amino acid conservation, physicochemical variation, residue mobility, and thermodynamic stability) performed at Invitae indicates that this missense variant is not expected to disrupt ANK3 protein function. This variant has not been reported in the literature in individuals affected with ANK3-related conditions. This variant is not present in population databases (gnomAD no frequency). This sequence change replaces leucine, which is neutral and non-polar, with valine, which is neutral and non-polar, at codon 703 of the ANK3 protein (p.Leu703Val).

NM_020987.5(ANK3):c.2107T>G (p.Leu703Val)

Gene: ANK3 (ankyrin 3; minus strand). Cytogenetic location: 10q21.2.
Variant type: single nucleotide variant.
Coding change: c.2107T>G on transcript NM_020987.5 (MANE Select); coding-DNA position 2107, T replaced by G.
Protein change: p.Leu703Val; replaces leucine 703 with valine.
Molecular consequence: missense variant.
Genome position (GRCh38, 1-based): chr10:60,181,406, A>C on the plus strand (T>G on the coding strand, the complement: ANK3 is on the minus strand). VCF-style: chr10-60181406-A-C. GRCh37 (hg19) VCF-style: chr10-61941164-A-C.
Other names: c.2107T>G (NM_020987.3); c.2089T>G, p.Leu697Val (NM_001204403.2); c.2056T>G, p.Leu686Val (NM_001204404.2); c.2107T>G, p.Leu703Val (NM_001320874.2); short protein forms L697V, L686V, L703V.
Identifiers: ClinVar variation 2824973 (VCV002824973.4), dbSNP rs2493275219, ClinGen allele CA376987385.
Genomic context (GRCh38, chr10:60,181,406, plus strand): 5'-CATGAGCCCCTTGGTTTACGAGGACTTCTGCCACATTCACTCGATCTTCTTGAGCAGCCA[A>C]ATGGAGTGGGGTCAGGCCGCTCTGCAAAAGATTCAAAGGGCACAGTCATCGTACAGGAAG-3'
Protein context (NP_066267.2, residues 693-713): SNKSGLTPLH[Leu703Val]AAQEDRVNVA